The following is an entry in ClinVar:

ClinVar aggregate classification (germline): Benign/Likely benign. Review status: criteria provided, multiple submitters, no conflicts (2 of 4 stars). 4 submissions from 4 submitters: Benign (1); Likely benign (2). 1 of the submissions does not count toward it. Last evaluated 2024-05-14.

Conditions:
Hereditary cancer-predisposing syndrome. Also called: Neoplastic Syndromes, Hereditary; Hereditary Cancer Syndrome; Hereditary neoplastic syndrome; Tumor predisposition. Identifiers: Orphanet 140162, MedGen C0027672, MeSH D009386, MONDO:0015356.
Ataxia-telangiectasia syndrome (AT). Also called: ATAXIA-TELANGIECTASIA, COMPLEMENTATION GROUP A; ATAXIA-TELANGIECTASIA, FRESNO VARIANT; Ataxia-telangiectasia, complementation group E; Ataxia telangiectasia (A-T); LOUIS-BAR SYNDROME; Cerebello-oculocutaneous telangiectasia. Identifiers: Orphanet 100, MedGen C0004135, MONDO:0008840, OMIM 208900.
Familial cancer of breast. Also called: hereditary breast carcinoma; BREAST CANCER, FAMILIAL; Hereditary breast cancer. Identifiers: Orphanet 227535, MedGen C0346153, MONDO:0016419, OMIM 114480. Disease mechanism: loss of function.

Submissions (4):

Myriad Genetics, Inc.
Classification: Likely benign for Familial cancer of breast. Last evaluated: 2024-05-14. Review status: criteria provided, single submitter. Criteria: Myriad Autosomal Dominant, Autosomal Recessive and X-Linked Classification Criteria (2023). Collection method: clinical testing. Allele origin: unknown.
Comment: This variant is considered likely benign. This variant is intronic and is not expected to impact mRNA splicing.

Labcorp Genetics (formerly Invitae), Labcorp
Classification: Likely benign for Ataxia-telangiectasia syndrome. Last evaluated: 2023-11-25. Review status: criteria provided, single submitter. Criteria: Invitae Variant Classification Sherloc (09022015). Collection method: clinical testing. Allele origin: germline.

Ambry Genetics
Classification: Benign for Hereditary cancer-predisposing syndrome. Last evaluated: 2022-07-01. Review status: criteria provided, single submitter. Criteria: Ambry Variant Classification Scheme 2023. Collection method: clinical testing. Allele origin: germline.

Natera, Inc.
Classification: Uncertain significance for Ataxia-telangiectasia. Last evaluated: 2020-09-16. Review status: no assertion criteria provided. Collection method: clinical testing. Allele origin: germline. Not counted in ClinVar's aggregate classification.

NM_000051.4(ATM):c.3403-4T>C

Gene: ATM (ATM serine/threonine kinase; plus strand). Cytogenetic location: 11q22.3.
Variant type: single nucleotide variant.
Coding change: c.3403-4T>C on transcript NM_000051.4 (MANE Select); 4 bases into the intron before coding-DNA position 3403, T replaced by C.
Molecular consequence: intron variant.
Genome position (GRCh38, 1-based): chr11:108,280,991, T>C. VCF-style: chr11-108280991-T-C. GRCh37 (hg19) VCF-style: chr11-108151718-T-C.
Other names: c.3403-4T>C (NM_001351834.2).
Identifiers: ClinVar variation 823734 (VCV000823734.9), dbSNP rs1591636158, ClinGen allele CA915944395.